The following is an entry in ClinVar:

NM_153704.6(TMEM67):c.312+14A>G

Gene: TMEM67 (transmembrane protein 67; plus strand). Cytogenetic location: 8q22.1.
Variant type: single nucleotide variant.
Coding change: c.312+14A>G on transcript NM_153704.6 (MANE Select); 14 bases into the intron after coding-DNA position 312, A replaced by G.
Molecular consequence: intron variant.
Genome position (GRCh38, 1-based): chr8:93,755,880, A>G. VCF-style: chr8-93755880-A-G. GRCh37 (hg19) VCF-style: chr8-94768108-A-G.
Other names: c.-62+743A>G (NM_001142301.1).
Identifiers: ClinVar variation 680284 (VCV000680284.11), dbSNP rs202135944, ClinGen allele CA4807576.

ClinVar aggregate classification (germline): Benign/Likely benign. Review status: criteria provided, multiple submitters, no conflicts (2 of 4 stars). 4 submissions from 4 submitters: Benign (1); Likely benign (3). Last evaluated 2026-01-20.

Conditions:
RHYNS syndrome. Also called: RETINITIS PIGMENTOSA SYNDROME; RETINITIS PIGMENTOSA, HYPOPITUITARISM, NEPHRONOPHTHISIS, AND MILD SKELETAL DYSPLASIA. Identifiers: Orphanet 140976, MedGen C1865794, MONDO:0011202, OMIM 602152.
Meckel syndrome, type 3 (MKS3). Also called: MECKEL-GRUBER SYNDROME, TYPE 3. Identifiers: Orphanet 564, MedGen C1846357, MONDO:0011821, OMIM 607361.
Nephronophthisis 11 (NPHP11). Identifiers: Orphanet 84081, MedGen C3150796, MONDO:0013302, OMIM 613550.
COACH syndrome 1. Identifiers: Orphanet 1454, MedGen C5435651, MONDO:0800103, OMIM 216360, MONDO:0008996.
Bardet-Biedl syndrome 14 (BBS14). Identifiers: Orphanet 110, MedGen C2673874, MONDO:0014442, OMIM 615991.
Joubert syndrome 6 (JBTS6). Identifiers: Orphanet 475, MedGen C1853153, MONDO:0012539, OMIM 610688.
Joubert syndrome. Also called: Familial aplasia of the vermis; JOUBERT-BOLTSHAUSER SYNDROME. Identifiers: Orphanet 475, MedGen C5979921, MONDO:0018772.
Meckel-Gruber syndrome. Also called: DYSENCEPHALIA SPLANCHNOCYSTICA; GRUBER SYNDROME; Dysencephalia splachnocystica. Identifiers: Orphanet 564, MedGen C0265215, MONDO:0018921.

Allele frequency attached by ClinVar (database versions not stated): gnomAD exomes 0.00003 and 0.00019; gnomAD 0.00012 and 0.00014; ExAC 0.00027; 1000 Genomes Project 30x 0.00109; 1000 Genomes Project 0.00140.
gnomAD v4.1: 60 of 1,456,244 alleles (0.0041%); highest among the groups gnomAD compares: East Asian, 0.11%; 1 homozygote.

Submissions (4):

Labcorp Genetics (formerly Invitae), Labcorp
Classification: Benign for Joubert syndrome; Meckel-Gruber syndrome. Last evaluated: 2026-01-20. Review status: criteria provided, single submitter. Criteria: Invitae Variant Classification Sherloc (09022015). Collection method: clinical testing. Allele origin: germline.

Blueprint Genetics
Classification: Likely benign. Last evaluated: 2024-08-30. Review status: criteria provided, single submitter. Criteria: ACMG Guidelines, 2015. Collection method: clinical testing. Allele origin: germline.

Fulgent Genetics
Classification: Likely benign for COACH syndrome 1; RHYNS syndrome; Meckel syndrome, type 3; Joubert syndrome 6; Nephronophthisis 11; Bardet-Biedl syndrome 14. Last evaluated: 2021-11-12. Review status: criteria provided, single submitter. Criteria: ACMG Guidelines, 2015. Collection method: clinical testing. Allele origin: unknown.

GeneDx
Classification: Likely benign. Last evaluated: 2018-03-19. Review status: criteria provided, single submitter. Criteria: GeneDx Variant Classification (06012015). Collection method: clinical testing. Allele origin: germline. Affected: yes.
Comment: This variant is considered likely benign or benign based on one or more of the following criteria: it is a conservative change, it occurs at a poorly conserved position in the protein, it is predicted to be benign by multiple in silico algorithms, and/or has population frequency not consistent with disease.